The following is an entry in ClinVar:

NM_145868.2(ANXA11):c.1068C>T (p.Leu356=)

Gene: ANXA11 (annexin A11; minus strand). Cytogenetic location: 10q22.3.
Variant type: single nucleotide variant.
Coding change: c.1068C>T on transcript NM_145868.2 (MANE Select); coding-DNA position 1068, C replaced by T.
Protein change: p.Leu356=; no amino-acid change (leucine 356 retained).
Molecular consequence: synonymous variant.
Genome position (GRCh38, 1-based): chr10:80,163,367, G>A on the plus strand (C>T on the coding strand, the complement: ANXA11 is on the minus strand). VCF-style: chr10-80163367-G-A. GRCh37 (hg19) VCF-style: chr10-81923123-G-A.
Other names: c.1068C>T, p.Leu356= (NM_001157.3, NM_001278407.2, NM_001278408.2 and 1 more transcripts); c.969C>T, p.Leu323= (NM_001278409.2).
Identifiers: ClinVar variation 1603490 (VCV001603490.9), dbSNP rs541062920, ClinGen allele CA5575950.

ClinVar aggregate classification (germline): Benign/Likely benign. Review status: criteria provided, multiple submitters, no conflicts (2 of 4 stars). 2 submissions from 2 submitters: Benign (1); Likely benign (1). Last evaluated 2026-09-01.

Allele frequency attached by ClinVar (database versions not stated): gnomAD 0.00009; 1000 Genomes Project 0.00020; TOPMed 0.00024; 1000 Genomes Project 30x 0.00031.
gnomAD v4.1: 106 of 1,613,584 alleles (0.0066%); highest among the groups gnomAD compares: Admixed American, 0.083%; no homozygotes.

Submissions (2):

CeGaT Center for Human Genetics Tuebingen
Classification: Likely benign. Last evaluated: 2026-09-01. Review status: criteria provided, single submitter. Criteria: CeGaT Center For Human Genetics Tuebingen Variant Classification Criteria Version 2. Collection method: clinical testing. Allele origin: germline. Affected: yes. Observed: 1 variant allele.
Comment: ANXA11: BP4, BP7

Labcorp Genetics (formerly Invitae), Labcorp
Classification: Benign. Last evaluated: 2025-11-06. Review status: criteria provided, single submitter. Criteria: Invitae Variant Classification Sherloc (09022015). Collection method: clinical testing. Allele origin: germline.